The following is an entry in ClinVar:

NM_006361.6(HOXB13):c.414G>C (p.Gln138His)

Gene: HOXB13 (homeobox B13; minus strand). Cytogenetic location: 17q21.32.
Variant type: single nucleotide variant.
Coding change: c.414G>C on transcript NM_006361.6 (MANE Select); coding-DNA position 414, G replaced by C.
Protein change: p.Gln138His; replaces glutamine 138 with histidine.
Molecular consequence: missense variant.
Genome position (GRCh38, 1-based): chr17:48,728,180, C>G on the plus strand (G>C on the coding strand, the complement: HOXB13 is on the minus strand). VCF-style: chr17-48728180-C-G. GRCh37 (hg19) VCF-style: chr17-46805542-C-G.
Other names: short protein forms Q138H.
Identifiers: ClinVar variation 4035959 (VCV004035959.1).

ClinVar aggregate classification (germline): Uncertain significance (1 of 4 stars; one submission).

Conditions:
Hereditary cancer-predisposing syndrome. Also called: Neoplastic Syndromes, Hereditary; Tumor predisposition; Hereditary neoplastic syndrome; Hereditary Cancer Syndrome. Identifiers: Orphanet 140162, MedGen C0027672, MeSH D009386, MONDO:0015356.

gnomAD v4.1: 1 of 1,614,220 alleles (0.000062%); highest among the groups gnomAD compares: East Asian, 0.0022%; no homozygotes.

Submission:

Ambry Genetics
Classification: Uncertain significance for Hereditary cancer-predisposing syndrome. Last evaluated: 2025-06-02. Review status: criteria provided, single submitter. Criteria: Ambry Variant Classification Scheme 2023. Collection method: clinical testing. Allele origin: germline.
Comment: The p.Q138H variant (also known as c.414G>C), located in coding exon 1 of the HOXB13 gene, results from a G to C substitution at nucleotide position 414. The glutamine at codon 138 is replaced by histidine, an amino acid with highly similar properties. This amino acid position is highly conserved in available vertebrate species. In addition, this alteration is predicted to be deleterious by in silico analysis. Based on the available evidence, the clinical significance of this variant remains unclear.